The following is an entry in ClinVar:

NR_004400.1(RNVU1-18):n.25C>G

Genes: RNVU1-18 (RNA, variant U1 small nuclear 18), LOC107985108 (uncharacterized LOC107985108; plus strand). Cytogenetic location: 1q21.1.
Variant type: single nucleotide variant.
Molecular consequence: non-coding transcript variant (on NR_004400.1).
Genome position: GRCh38 VCF-style: chr1-143729546-G-C. GRCh37 (hg19) VCF-style: chr1-149224197-G-C.
Identifiers: ClinVar variation 3770178 (VCV003770178.1).

ClinVar aggregate classification (germline): Uncertain significance (1 of 4 stars; one submission).

Submission:

Institute for Human Genetics, University Hospital Essen
Classification: Uncertain significance. Last evaluated: 2005-03-05. Review status: criteria provided, single submitter. Criteria: ACMG Guidelines, 2015. Collection method: clinical testing. Allele origin: de novo. Affected: yes.
Comment: PM2_supp, PS2